The following is an entry in ClinVar:

NM_003200.5(TCF3):c.580G>A (p.Gly194Ser)

Gene: TCF3 (transcription factor 3; minus strand). Cytogenetic location: 19p13.3.
Variant type: single nucleotide variant.
Coding change: c.580G>A on transcript NM_003200.5 (MANE Select); coding-DNA position 580, G replaced by A.
Protein change: p.Gly194Ser; replaces glycine 194 with serine.
Molecular consequence: missense variant.
Genome position (GRCh38, 1-based): chr19:1,622,385, C>T on the plus strand (G>A on the coding strand, the complement: TCF3 is on the minus strand). VCF-style: chr19-1622385-C-T. GRCh37 (hg19) VCF-style: chr19-1622384-C-T.
Other names: c.580G>A, p.Gly194Ser (NM_001136139.4, NM_001351778.2, NM_001351779.2); short protein forms G194S.
Identifiers: ClinVar variation 1949140 (VCV001949140.6), dbSNP rs775205212, ClinGen allele CA9050303.

ClinVar aggregate classification (germline): Conflicting classifications of pathogenicity. Review status: criteria provided, conflicting classifications (1 of 4 stars). 2 submissions from 2 submitters: Uncertain significance (1); Likely benign (1). Last evaluated 2025-09-08.

Allele frequency attached by ClinVar (database versions not stated): gnomAD 0.00001; gnomAD exomes 0.00002; TOPMed 0.00002; ExAC 0.00003.
gnomAD v4.1: 20 of 1,292,810 alleles (0.0015%); highest among the groups gnomAD compares: South Asian, 0.014%; no homozygotes.

Submissions (2):

Labcorp Genetics (formerly Invitae), Labcorp
Classification: Uncertain significance. Last evaluated: 2025-09-08. Review status: criteria provided, single submitter. Criteria: Invitae Variant Classification Sherloc (09022015). Collection method: clinical testing. Allele origin: germline.
Comment: This sequence change replaces glycine, which is neutral and non-polar, with serine, which is neutral and polar, at codon 194 of the TCF3 protein (p.Gly194Ser). The frequency data for this variant in the population databases is considered unreliable, as metrics indicate poor data quality at this position in the gnomAD database. This variant has not been reported in the literature in individuals affected with TCF3-related conditions. ClinVar contains an entry for this variant (Variation ID: 1949140). Invitae Evidence Modeling of protein sequence and biophysical properties (such as structural, functional, and spatial information, amino acid conservation, physicochemical variation, residue mobility, and thermodynamic stability) indicates that this missense variant is not expected to disrupt TCF3 protein function with a negative predictive value of 80%. In summary, the available evidence is currently insufficient to determine the role of this variant in disease. Therefore, it has been classified as a Variant of Uncertain Significance.

Blueprint Genetics
Classification: Likely benign. Last evaluated: 2022-11-17. Review status: criteria provided, single submitter. Criteria: ACMG Guidelines, 2015. Collection method: clinical testing. Allele origin: germline.